The following is an entry in ClinVar:

NM_020184.4(CNNM4):c.1743C>G (p.Tyr581Ter)

Gene: CNNM4 (cyclin and CBS domain divalent metal cation transport mediator 4; plus strand). Cytogenetic location: 2q11.2.
Variant type: single nucleotide variant.
Coding change: c.1743C>G on transcript NM_020184.4 (MANE Select); coding-DNA position 1743, C replaced by G.
Protein change: p.Tyr581Ter; replaces tyrosine 581 with a stop codon.
Molecular consequence: nonsense.
Genome position (GRCh38, 1-based): chr2:96,799,118, C>G. VCF-style: chr2-96799118-C-G. GRCh37 (hg19) VCF-style: chr2-97464855-C-G.
Other names: short protein forms Y581*.
Identifiers: ClinVar variation 518456 (VCV000518456.4), dbSNP rs1432600424, ClinGen allele CA347704721.

ClinVar aggregate classification (germline): Pathogenic (1 of 4 stars; one submission).

Conditions:
Jalili syndrome. Also called: CONE-ROD DYSTROPHY AND AMELOGENESIS IMPERFECTA. Identifiers: Orphanet 1873, MedGen C3495589, MONDO:0009007, OMIM 217080.

Submission:

Piracicaba Dental School, University of Campinas
Classification: Pathogenic for Jalili syndrome. Review status: criteria provided, single submitter. Criteria: ACMG Guidelines, 2015. Collection method: clinical testing. Allele origin: paternal. Inheritance: Autosomal recessive inheritance. Affected: yes. Observed: 1 variant allele, 1 compound heterozygote.
Comment: Jalili syndrome (JS) is an autosomal recessive disease characterized by a combination of cone-rode retinal dytrophy (CRD) and amelogenesis imperfect (AI). Mutations in cyclin and CBS domain divalent metal cation transport mediator 4 (CNNM4) gene cause JS. The syndrome showed variable clinical expressivity, suggesting that the mutant protein carrying the compound variants is partially active inducing a variable and less severe phenotype. Together the mutation c.1743C>G (p.Y581*), we found the missense mutation c.971T>C (p.L324P) in heterozygosis in the affected patients.